The following is an entry in ClinVar:

ClinVar aggregate classification (germline): Uncertain significance. Review status: criteria provided, multiple submitters, no conflicts (2 of 4 stars). 2 submissions from 2 submitters: Uncertain significance (2). Last evaluated 2021-07-08.

Conditions:
Cardiomyopathy (CMYO). Also called: Cardiomyopathies. Identifiers: Orphanet 167848, MedGen C0878544, MONDO:0004994, HP:0001638. Inheritance: Various modes of inheritance.
Cardiovascular phenotype. Identifiers: MedGen CN230736.

Allele frequency attached by ClinVar (database versions not stated): gnomAD exomes below 0.00001; TOPMed 0.00001.
gnomAD v4.1: 1 of 1,614,250 alleles (0.000062%); no homozygotes.

Submissions (2):

Ambry Genetics
Classification: Uncertain significance for Cardiovascular phenotype. Last evaluated: 2021-07-08. Review status: criteria provided, single submitter. Criteria: Ambry Variant Classification Scheme 2023. Collection method: clinical testing. Allele origin: germline.
Comment: The p.L1282V variant (also known as c.3844C>G), located in coding exon 25 of the MYH6 gene, results from a C to G substitution at nucleotide position 3844. The leucine at codon 1282 is replaced by valine, an amino acid with highly similar properties. This amino acid position is highly conserved in available vertebrate species. In addition, the in silico prediction for this alteration is inconclusive. Since supporting evidence is limited at this time, the clinical significance of this alteration remains unclear.

CHEO Genetics Diagnostic Laboratory, Children's Hospital of Eastern Ontario
Classification: Uncertain significance for Cardiomyopathy. Last evaluated: 2016-09-13. Review status: criteria provided, single submitter. Criteria: ACMG Guidelines, 2015. Collection method: clinical testing. Allele origin: germline. Study: Canadian Open Genetics Repository.

NM_002471.4(MYH6):c.3844C>G (p.Leu1282Val)

Gene: MYH6 (myosin heavy chain 6; minus strand). Cytogenetic location: 14q11.2.
Variant type: single nucleotide variant.
Coding change: c.3844C>G on transcript NM_002471.4 (MANE Select); coding-DNA position 3844, C replaced by G.
Protein change: p.Leu1282Val; replaces leucine 1282 with valine.
Molecular consequence: missense variant.
Genome position (GRCh38, 1-based): chr14:23,389,608, G>C on the plus strand (C>G on the coding strand, the complement: MYH6 is on the minus strand). VCF-style: chr14-23389608-G-C. GRCh37 (hg19) VCF-style: chr14-23858817-G-C.
Other names: short protein forms L1282V.
Identifiers: ClinVar variation 626534 (VCV000626534.4), dbSNP rs1425090608, ClinGen allele CA389003304.